The following is an entry in ClinVar:

ClinVar aggregate classification (germline): Pathogenic/Likely pathogenic. Review status: criteria provided, multiple submitters, no conflicts (2 of 4 stars). 6 submissions from 5 submitters: Pathogenic (3); Likely pathogenic (1). 2 of the submissions do not count toward it. Last evaluated 2025-10-20.

Conditions:
Familial hypocalciuric hypercalcemia 1. Also called: Hypercalcemia, familial benign type 1. Identifiers: Orphanet 405, Orphanet 93372, MedGen C0342637, MONDO:0007791, OMIM 145980.
Autosomal dominant hypocalcemia 1 (HYPOC1). Also called: HYPOCALCEMIA, FAMILIAL. Identifiers: MedGen C3715128, MONDO:0011013, OMIM 601198.
Epilepsy, idiopathic generalized, susceptibility to, 8. Identifiers: MedGen C2752062, MONDO:0013032, OMIM 612899.
Neonatal severe primary hyperparathyroidism. Identifiers: Orphanet 417, MedGen C1832615, MONDO:0009397, OMIM 239200.
Familial hypocalciuric hypercalcemia (FHH). Also called: Familial benign hypercalcemia. Identifiers: Orphanet 405, MedGen C1809471, MONDO:0018458.
Bartter syndrome with hypocalcemia. Also called: Hypocalcemia, autosomal dominant 1, with bartter syndrome. Identifiers: MedGen C4552089, MONDO:0016983.

Submissions (6):

Labcorp Genetics (formerly Invitae), Labcorp
Classification: Pathogenic for Familial hypocalciuric hypercalcemia; Autosomal dominant hypocalcemia 1. Last evaluated: 2025-10-20. Review status: criteria provided, single submitter. Criteria: Invitae Variant Classification Sherloc (09022015). Collection method: clinical testing. Allele origin: germline.
Comment: This sequence change replaces leucine, which is neutral and non-polar, with proline, which is neutral and non-polar, at codon 125 of the CASR protein (p.Leu125Pro). This variant is not present in population databases (gnomAD no frequency). This missense change has been observed in individual(s) with autosomal dominant hypocalcemia and/or hypercalcemia (PMID: 11701698, 12107202, 12191970, 37371242; internal data). In at least one individual the variant was observed to be de novo. ClinVar contains an entry for this variant (Variation ID: 8346). An algorithm developed to predict the effect of missense changes on protein structure and function (PolyPhen-2) suggests that this variant is likely to be disruptive. Experimental studies have shown that this missense change affects CASR function (PMID: 12191970, 25506941). For these reasons, this variant has been classified as Pathogenic.

Fulgent Genetics
Classification: Pathogenic for Familial hypocalciuric hypercalcemia 1; Neonatal severe primary hyperparathyroidism; Autosomal dominant hypocalcemia 1; Epilepsy, idiopathic generalized, susceptibility to, 8. Last evaluated: 2021-11-16. Review status: criteria provided, single submitter. Criteria: ACMG Guidelines, 2015. Collection method: clinical testing. Allele origin: unknown.

Revvity Omics, Revvity
Classification: Likely pathogenic. Last evaluated: 2021-05-11. Review status: criteria provided, single submitter. Criteria: ACMG Guidelines, 2015. Collection method: clinical testing. Allele origin: germline.

Rady Children's Institute for Genomic Medicine, Rady Children's Hospital San Diego
Classification: Pathogenic for HYPOCALCEMIA, AUTOSOMAL DOMINANT 1. Last evaluated: 2019-02-28. Review status: criteria provided, single submitter. Criteria: ACMG Guidelines, 2015. Collection method: clinical testing. Allele origin: germline. Affected: yes. Observed: 1 variant allele.
Comment: This variant has been previously reported as a heterozygous change in patients with hypocalcemia (PMID: 11013439 12107202 12191970). Functional analysis revealed that the kinetics of activation of the p.Leu125Pro receptor expressed in HEK-293 cells, as assessed by measuring CaSR-stimulated changes in intracellular Ca(2+) and ERK activity, showed a dramatic reduction in the EC(50) for extracellular Ca(2+) compared with the wild-typ (PMID 12191970). The p.Leu125Pro variant is proposed to reduce NaCl reabsorption in the cortical thick ascending limb sufficiently to result in renal loss of NaCl with secondary hyperaldosteronism and hypokalemia (PMID 12191970). It is absent from the ExAC and gnomAD population databases and thus is presumed to be rare. The c.374T>C, p.Leu125Pro variant affects a highly conserved amino acid and is predicted by multiple in silico tools to have a deleterious effect on protein function. Based on the available evidence, the c.374T>C, p.Leu125Pro variant is classified as Pathogenic.

OMIM
Classification: Pathogenic for HYPOCALCEMIA, AUTOSOMAL DOMINANT 1. Last evaluated: 2002-09-01. Review status: no assertion criteria provided. Collection method: literature only. Allele origin: germline. Not counted in ClinVar's aggregate classification.

OMIM
Classification: Pathogenic for HYPOCALCEMIA, AUTOSOMAL DOMINANT 1, WITH BARTTER SYNDROME. Last evaluated: 2002-09-01. Review status: no assertion criteria provided. Collection method: literature only. Allele origin: germline. Not counted in ClinVar's aggregate classification.

Literature cited by the submitters: PubMed 11701698 (cited by Labcorp Genetics (formerly Invitae), Labcorp); PubMed 12107202 (cited by Labcorp Genetics (formerly Invitae), Labcorp and OMIM); PubMed 12191970 (cited by Labcorp Genetics (formerly Invitae), Labcorp and OMIM); PubMed 37371242 (cited by Labcorp Genetics (formerly Invitae), Labcorp); PubMed 25506941 (cited by Labcorp Genetics (formerly Invitae), Labcorp).

NM_000388.4(CASR):c.374T>C (p.Leu125Pro)

Gene: CASR (calcium sensing receptor; plus strand). Cytogenetic location: 3q21.1.
Variant type: single nucleotide variant.
Coding change: c.374T>C on transcript NM_000388.4 (MANE Select); coding-DNA position 374, T replaced by C.
Protein change: p.Leu125Pro; replaces leucine 125 with proline.
Molecular consequence: missense variant.
Genome position (GRCh38, 1-based): chr3:122,257,269, T>C. VCF-style: chr3-122257269-T-C. GRCh37 (hg19) VCF-style: chr3-121976116-T-C.
Other names: c.374T>C, p.Leu125Pro (NM_001178065.2); short protein forms L125P.
Identifiers: ClinVar variation 8346 (VCV000008346.10), dbSNP rs104893708, ClinGen allele CA119525.